The following is an entry in ClinVar:

NM_201384.3(PLEC):c.6913C>T (p.Arg2305Trp)

Gene: PLEC (plectin; minus strand). Cytogenetic location: 8q24.3.
Variant type: single nucleotide variant.
Coding change: c.6913C>T on transcript NM_201384.3 (MANE Select); coding-DNA position 6913, C replaced by T.
Protein change: p.Arg2305Trp; replaces arginine 2305 with tryptophan.
Molecular consequence: missense variant.
Genome position (GRCh38, 1-based): chr8:143,923,016, G>A on the plus strand (C>T on the coding strand, the complement: PLEC is on the minus strand). VCF-style: chr8-143923016-G-A. GRCh37 (hg19) VCF-style: chr8-144997184-G-A.
Other names: c.6994C>T (NM_000445.3); c.6994C>T, p.Arg2332Trp (NM_000445.5); c.6871C>T, p.Arg2291Trp (NM_201378.4); c.6847C>T, p.Arg2283Trp (NM_201379.3); c.7324C>T, p.Arg2442Trp (NM_201380.4); c.6817C>T, p.Arg2273Trp (NM_201381.3); c.6913C>T, p.Arg2305Trp (NM_201382.4); c.6925C>T, p.Arg2309Trp (NM_201383.3); short protein forms R2283W, R2291W, R2305W, R2309W, R2442W, R2332W, R2273W.
Identifiers: ClinVar variation 577890 (VCV000577890.9), dbSNP rs781995144, ClinGen allele CA4925811.

ClinVar aggregate classification (germline): Uncertain significance. Review status: criteria provided, multiple submitters, no conflicts (2 of 4 stars). 3 submissions from 3 submitters: Uncertain significance (3). Last evaluated 2025-09-29.

Conditions:
PLEC-related disorder. Also called: PLEC-related disorders; PLEC-related condition.
Epidermolysis bullosa simplex 5C, with pyloric atresia (EBS5C). Also called: PLEC-Related Epidermolysis Bullosa with Pyloric Atresia; PLEC1-Related Epidermolysis Bullosa with Pyloric Atresia; Epidermolysis bullosa simplex with pyloric atresia. Identifiers: Orphanet 158684, MedGen C2677349, MONDO:0012807, OMIM 612138.
Epidermolysis bullosa simplex, Ogna type (EBS5A). Also called: Pidermolysis bullosa simplex 5A, Ogna type; EPIDERMOLYSIS BULLOSA SIMPLEX 5A, OGNA TYPE. Identifiers: Orphanet 79401, MedGen C0432317, MONDO:0007555, OMIM 131950.
Epidermolysis bullosa simplex 5B, with muscular dystrophy (EBS5B). Also called: Epidermolysis bullosa simplex with muscular dystrophy; EPIDERMOLYSIS BULLOSA SIMPLEX AND LIMB-GIRDLE MUSCULAR DYSTROPHY. Identifiers: Orphanet 257, MedGen C2931072, MONDO:0009181, OMIM 226670.
Epidermolysis bullosa simplex with nail dystrophy (EBS5D). Identifiers: MedGen C4225309, MONDO:0014661, OMIM 616487.
Autosomal recessive limb-girdle muscular dystrophy type 2Q (LGMDR17). Also called: MUSCULAR DYSTROPHY, LIMB-GIRDLE, AUTOSOMAL RECESSIVE 17. Identifiers: Orphanet 254361, MedGen C3150989, MONDO:0013390, OMIM 613723.

Allele frequency attached by ClinVar (database versions not stated): TOPMed below 0.00001; gnomAD exomes 0.00001; ExAC 0.00002; gnomAD 0.00002.
gnomAD v4.1: 11 of 1,611,662 alleles (0.00068%); highest among the groups gnomAD compares: East Asian, 0.0067%; no homozygotes.

Submissions (3):

PreventionGenetics, part of Exact Sciences
Classification: Uncertain significance for PLEC-related condition. Last evaluated: 2025-09-29. Review status: criteria provided, single submitter. Criteria: ACMG Guidelines, 2015. Collection method: clinical testing. Allele origin: germline.
Comment: The PLEC c.6994C>T variant is predicted to result in the amino acid substitution p.Arg2332Trp. To our knowledge, this variant has not been reported in the literature. This variant is reported in 0.0052% of alleles in individuals of East Asian descent in gnomAD. At this time, the clinical significance of this variant is uncertain due to the absence of conclusive functional and genetic evidence.

Labcorp Genetics (formerly Invitae), Labcorp
Classification: Uncertain significance for Autosomal recessive limb-girdle muscular dystrophy type 2Q; Epidermolysis bullosa simplex, Ogna type; Epidermolysis bullosa simplex with nail dystrophy; Epidermolysis bullosa simplex 5C, with pyloric atresia; Epidermolysis bullosa simplex 5B, with muscular dystrophy. Last evaluated: 2023-02-04. Review status: criteria provided, single submitter. Criteria: Invitae Variant Classification Sherloc (09022015). Collection method: clinical testing. Allele origin: germline.
Comment: This sequence change replaces arginine, which is basic and polar, with tryptophan, which is neutral and slightly polar, at codon 2332 of the PLEC protein (p.Arg2332Trp). The frequency data for this variant in the population databases is considered unreliable, as metrics indicate poor data quality at this position in the gnomAD database. In summary, the available evidence is currently insufficient to determine the role of this variant in disease. Therefore, it has been classified as a Variant of Uncertain Significance. Algorithms developed to predict the effect of missense changes on protein structure and function (SIFT, PolyPhen-2, Align-GVGD) all suggest that this variant is likely to be disruptive. ClinVar contains an entry for this variant (Variation ID: 577890). This variant has not been reported in the literature in individuals affected with PLEC-related conditions.

Revvity Omics, Revvity
Classification: Uncertain significance. Last evaluated: 2019-03-15. Review status: criteria provided, single submitter. Criteria: ACMG Guidelines, 2015. Collection method: clinical testing. Allele origin: germline.